The following is an entry in ClinVar:

ClinVar aggregate classification (germline): Uncertain significance (1 of 4 stars; one submission).

Allele frequency attached by ClinVar (database versions not stated): gnomAD 0.00001.
gnomAD v4.1: 18 of 1,613,982 alleles (0.0011%); highest among the groups gnomAD compares: Middle Eastern, 0.016%; no homozygotes.

Submission:

Labcorp Genetics (formerly Invitae), Labcorp
Classification: Uncertain significance. Last evaluated: 2022-04-24. Review status: criteria provided, single submitter. Criteria: Invitae Variant Classification Sherloc (09022015). Collection method: clinical testing. Allele origin: germline.
Comment: This sequence change replaces arginine, which is basic and polar, with histidine, which is basic and polar, at codon 830 of the ADAMTS18 protein (p.Arg830His). This variant is present in population databases (no rsID available, gnomAD 0.1%). This variant has not been reported in the literature in individuals affected with ADAMTS18-related conditions. Algorithms developed to predict the effect of missense changes on protein structure and function are either unavailable or do not agree on the potential impact of this missense change (SIFT: "Not Available"; PolyPhen-2: "Benign"; Align-GVGD: "Not Available"). In summary, the available evidence is currently insufficient to determine the role of this variant in disease. Therefore, it has been classified as a Variant of Uncertain Significance.

NM_199355.4(ADAMTS18):c.2489G>A (p.Arg830His)

Gene: ADAMTS18 (ADAM metallopeptidase with thrombospondin type 1 motif 18; minus strand). Cytogenetic location: 16q23.1.
Variant type: single nucleotide variant.
Coding change: c.2489G>A on transcript NM_199355.4 (MANE Select); coding-DNA position 2489, G replaced by A.
Protein change: p.Arg830His; replaces arginine 830 with histidine.
Molecular consequence: missense variant.
Genome position (GRCh38, 1-based): chr16:77,319,892, C>T on the plus strand (G>A on the coding strand, the complement: ADAMTS18 is on the minus strand). VCF-style: chr16-77319892-C-T. GRCh37 (hg19) VCF-style: chr16-77353789-C-T.
Other names: c.1973G>A, p.Arg658His (NM_001326358.2); short protein forms R658H, R830H.
Identifiers: ClinVar variation 1464662 (VCV001464662.3), dbSNP rs1035878515, ClinGen allele CA284390101.